The following is an entry in ClinVar:

ClinVar aggregate classification (germline): Benign/Likely benign. Review status: criteria provided, multiple submitters, no conflicts (2 of 4 stars). 4 submissions from 4 submitters: Benign (1); Likely benign (3). Last evaluated 2025-10-27.

Conditions:
Hereditary cancer-predisposing syndrome. Also called: Hereditary Cancer Syndrome; Neoplastic Syndromes, Hereditary; Tumor predisposition; Hereditary neoplastic syndrome. Identifiers: Orphanet 140162, MedGen C0027672, MeSH D009386, MONDO:0015356.
Ataxia-telangiectasia syndrome (AT). Also called: Cerebello-oculocutaneous telangiectasia; Immunodeficiency with ataxia telangiectasia; Ataxia-telangiectasia, complementation group E; Ataxia-telangiectasia, complementation group D; AT, COMPLEMENTATION GROUP C; ATAXIA-TELANGIECTASIA, COMPLEMENTATION GROUP A. Identifiers: Orphanet 100, MedGen C0004135, MONDO:0008840, OMIM 208900.
Familial cancer of breast. Also called: BREAST CANCER, FAMILIAL; Hereditary breast cancer; hereditary breast carcinoma. Identifiers: Orphanet 227535, MedGen C0346153, MONDO:0016419, OMIM 114480. Disease mechanism: loss of function.

Allele frequency attached by ClinVar (database versions not stated): gnomAD exomes 0.00001 and 0.00002; ExAC 0.00001.
gnomAD v4.1: 9 of 1,613,690 alleles (0.00056%); highest among the groups gnomAD compares: South Asian, 0.0099%; 1 homozygote.

Submissions (4):

Ambry Genetics
Classification: Likely benign for Hereditary cancer-predisposing syndrome. Last evaluated: 2025-10-27. Review status: criteria provided, single submitter. Criteria: Ambry Variant Classification Scheme 2023. Collection method: clinical testing. Allele origin: germline.

Labcorp Genetics (formerly Invitae), Labcorp
Classification: Likely benign for Ataxia-telangiectasia syndrome. Last evaluated: 2025-03-20. Review status: criteria provided, single submitter. Criteria: Invitae Variant Classification Sherloc (09022015). Collection method: clinical testing. Allele origin: germline.

Myriad Genetics, Inc.
Classification: Benign for Familial cancer of breast. Last evaluated: 2024-05-24. Review status: criteria provided, single submitter. Criteria: Myriad Autosomal Dominant, Autosomal Recessive and X-Linked Classification Criteria (2023). Collection method: clinical testing. Allele origin: unknown.
Comment: This variant is considered benign. This variant is a silent/synonymous amino acid change and it is not expected to impact splicing.

Color Diagnostics, LLC DBA Color Health
Classification: Likely benign for Hereditary cancer-predisposing syndrome. Last evaluated: 2019-01-14. Review status: criteria provided, single submitter. Criteria: ACMG Guidelines, 2015. Collection method: clinical testing. Allele origin: germline.

NM_000051.4(ATM):c.5817A>G (p.Leu1939=)

Genes: ATM (ATM serine/threonine kinase; plus strand), C11orf65 (chromosome 11 open reading frame 65; minus strand). Cytogenetic location: 11q22.3.
Variant type: single nucleotide variant.
Coding change: c.5817A>G on transcript NM_000051.4 (MANE Select); coding-DNA position 5817, A replaced by G.
Protein change: p.Leu1939=; no amino-acid change (leucine 1939 retained).
Molecular consequence: synonymous variant. On other transcripts: intron variant (2).
Genome position (GRCh38, 1-based): chr11:108,310,214, A>G. VCF-style: chr11-108310214-A-G. GRCh37 (hg19) VCF-style: chr11-108180941-A-G.
Other names: c.5817A>G, p.Leu1939= (NM_001351834.2); c.641-1143T>C (NM_001330368.2); c.*39-1143T>C (NM_001351110.2).
Identifiers: ClinVar variation 524433 (VCV000524433.15), dbSNP rs749652134, ClinGen allele CA6265788.
Genomic context (GRCh38, chr11:108,310,214, plus strand): 5'-CTTTAGACCTTCTTCAGGAACAATTTTTAATGATGCTTTCTGGCTGGATTTAAATTATCT[A>G]GAAGTTGCCAAGGTAGCTCAGTCTTGTGCTGCTCACTTTACAGCTTTACTCTATGCAGAA-3'
Protein context (NP_000042.3, residues 1929-1949): NDAFWLDLNY[Leu1939=]EVAKVAQSCA